The following is an entry in ClinVar:

ClinVar aggregate classification (germline): Uncertain significance (1 of 4 stars; one submission).

Conditions:
Hypertrophic cardiomyopathy. Also called: HYPERTROPHIC MYOCARDIOPATHY. Identifiers: Orphanet 217569, MedGen C0007194, MeSH D002312, MONDO:0005045, HP:0001639.

Submission:

Labcorp Genetics (formerly Invitae), Labcorp
Classification: Uncertain significance for Hypertrophic cardiomyopathy. Last evaluated: 2021-11-05. Review status: criteria provided, single submitter. Criteria: Invitae Variant Classification Sherloc (09022015). Collection method: clinical testing. Allele origin: germline.
Comment: This sequence change creates a premature translational stop signal (p.His401Thrfs*4) in the MYH7 gene. It is expected to result in an absent or disrupted protein product. However, the current clinical and genetic evidence is not sufficient to establish whether loss-of-function variants in MYH7 cause disease. This variant is not present in population databases (gnomAD no frequency). This variant has not been reported in the literature in individuals affected with MYH7-related conditions. In summary, the available evidence is currently insufficient to determine the role of this variant in disease. Therefore, it has been classified as a Variant of Uncertain Significance.

NM_000257.4(MYH7):c.1201del (p.His401fs)

Gene: MYH7 (myosin heavy chain 7; minus strand). Cytogenetic location: 14q11.2.
Variant type: Deletion.
Coding change: c.1201del on transcript NM_000257.4 (MANE Select); coding-DNA position 1201, one base deleted (C; older notation c.1201delC).
Protein change: p.His401fs; shifts the reading frame from histidine 401.
Molecular consequence: frameshift variant.
Genome position (GRCh38, 1-based): chr14:23,429,285, G deleted on the plus strand (C on the coding strand, the reverse complement: MYH7 is on the minus strand); the first of 2 consecutive G bases (chr14:23,429,285-23,429,286); deleting either gives the same sequence. VCF-style (leftmost placement, unchanged base first): chr14-23429284-TG-T. GRCh37 (hg19) VCF-style: chr14-23898493-TG-T.
Other names: short protein forms H401fs.
Identifiers: ClinVar variation 1487104 (VCV001487104.6), dbSNP rs2138675940, ClinGen allele CA2573149862.